The following is an entry in ClinVar:

ClinVar aggregate classification (germline): Likely pathogenic (1 of 4 stars; one submission).

Conditions:
Distal arthrogryposis type 5D (DA5D). Identifiers: Orphanet 329457, MedGen C3554415, MONDO:0014028, OMIM 615065.

Submission:

Juno Genomics, Hangzhou Juno Genomics, Inc
Classification: Likely pathogenic for Distal arthrogryposis type 5D. Review status: criteria provided, single submitter. Criteria: ACMG Guidelines, 2015. Collection method: clinical testing. Allele origin: germline.
Comment: Null variant in a gene where loss of function (LOF) is a known mechanism of disease.;Absent from controls (or at extremely low frequency if recessive) in Genome Aggregation Database.

NM_004826.4(ECEL1):c.1864+2_1864+25del

Gene: ECEL1 (endothelin converting enzyme like 1; minus strand). Cytogenetic location: 2q37.1.
Variant type: Deletion.
Coding change: c.1864+2_1864+25del on transcript NM_004826.4 (MANE Select); the canonical splice donor site of the intron after coding-DNA position 1864 through 25 bases into the intron after coding-DNA position 1864, 24 bases deleted (TGAGGCCTGTTGGGGCCCCAGGGG).
Molecular consequence: splice donor variant.
Genome position (GRCh38, 1-based): chr2:232,481,757-232,481,780, CCCCTGGGGCCCCAACAGGCCTCA deleted on the plus strand (TGAGGCCTGTTGGGGCCCCAGGGG on the coding strand, the reverse complement: ECEL1 is on the minus strand); deleting any 24 consecutive bases within chr2:232,481,757-232,481,784 gives the same sequence; the c. name uses the placement nearest the transcript's 3' end. VCF-style (leftmost placement, unchanged base first): chr2-232481756-TCCCCTGGGGCCCCAACAGGCCTCA-T. GRCh37 (hg19) VCF-style: chr2-233346466-TCCCCTGGGGCCCCAACAGGCCTCA-T.
Other names: c.1858+2_1858+25del (NM_001290787.2).
Identifiers: ClinVar variation 5006245 (VCV005006245.2).